The following is an entry in ClinVar:

NM_020297.4(ABCC9):c.4018C>G (p.Gln1340Glu)

Genes: ABCC9 (ATP binding cassette subfamily C member 9; minus strand), KCNJ8-AS1 (KCNJ8 antisense RNA 1; plus strand). Cytogenetic location: 12p12.1.
Variant type: single nucleotide variant.
Coding change: c.4018C>G on transcript NM_020297.4 (MANE Select); coding-DNA position 4018, C replaced by G.
Protein change: p.Gln1340Glu; replaces glutamine 1340 with glutamic acid.
Molecular consequence: missense variant.
Genome position (GRCh38, 1-based): chr12:21,815,768, G>C on the plus strand (C>G on the coding strand, the complement: ABCC9 is on the minus strand). VCF-style: chr12-21815768-G-C. GRCh37 (hg19) VCF-style: chr12-21968702-G-C.
Other names: c.4018C>G, p.Gln1340Glu (NM_001377273.1, NM_005691.4); c.3151C>G, p.Gln1051Glu (NM_001377274.1); short protein forms Q1051E, Q1340E.
Identifiers: ClinVar variation 1307266 (VCV001307266.2), dbSNP rs1158703930, ClinGen allele CA384136005.

ClinVar aggregate classification (germline): Uncertain significance (1 of 4 stars; one submission).

Allele frequency attached by ClinVar (database versions not stated): gnomAD exomes below 0.00001; TOPMed below 0.00001.
gnomAD v4.1: 3 of 1,612,672 alleles (0.00019%); highest among the groups gnomAD compares: Non-Finnish European, 0.00025%; no homozygotes.

Submission:

GeneDx
Classification: Uncertain significance. Last evaluated: 2020-09-24. Review status: criteria provided, single submitter. Criteria: GeneDx Variant Classification Process June 2021. Collection method: clinical testing. Allele origin: germline. Affected: yes.
Comment: Has not been previously published as pathogenic or benign to our knowledge; Not observed in large population cohorts (Lek et al., 2016); In silico analysis, which includes protein predictors and evolutionary conservation, supports that this variant does not alter protein structure/function